The following is an entry in ClinVar:

ClinVar aggregate classification (germline): Uncertain significance (1 of 4 stars; one submission).

Allele frequency attached by ClinVar (database versions not stated): ExAC 0.00006; ESP Exome Variant Server 0.00008; TOPMed 0.00008; gnomAD 0.00010; gnomAD exomes 0.00010.
gnomAD v4.1: 163 of 1,613,864 alleles (0.01%); highest among the groups gnomAD compares: Non-Finnish European, 0.013%; no homozygotes.

Submission:

Labcorp Genetics (formerly Invitae), Labcorp
Classification: Uncertain significance. Last evaluated: 2025-11-19. Review status: criteria provided, single submitter. Criteria: Invitae Variant Classification Sherloc (09022015). Collection method: clinical testing. Allele origin: germline.
Comment: This sequence change replaces threonine, which is neutral and polar, with methionine, which is neutral and non-polar, at codon 419 of the ACAN protein (p.Thr419Met). The frequency data for this variant in the population databases is considered unreliable, as metrics indicate poor data quality at this position in the gnomAD database. This variant has not been reported in the literature in individuals affected with ACAN-related conditions. ClinVar contains an entry for this variant (Variation ID: 2159947). Invitae Evidence Modeling of protein sequence and biophysical properties (such as structural, functional, and spatial information, amino acid conservation, physicochemical variation, residue mobility, and thermodynamic stability) indicates that this missense variant is not expected to disrupt ACAN protein function with a negative predictive value of 80%. In summary, the available evidence is currently insufficient to determine the role of this variant in disease. Therefore, it has been classified as a Variant of Uncertain Significance.

NM_001369268.1(ACAN):c.1256C>T (p.Thr419Met)

Gene: ACAN (aggrecan; plus strand). Cytogenetic location: 15q26.1.
Variant type: single nucleotide variant.
Coding change: c.1256C>T on transcript NM_001369268.1 (MANE Select); coding-DNA position 1256, C replaced by T.
Protein change: p.Thr419Met; replaces threonine 419 with methionine.
Molecular consequence: missense variant.
Genome position (GRCh38, 1-based): chr15:88,845,709, C>T. VCF-style: chr15-88845709-C-T. GRCh37 (hg19) VCF-style: chr15-89388940-C-T.
Other names: c.1256C>T, p.Thr419Met (NM_001135.4, NM_001411096.1, NM_001411097.1 and 1 more transcripts); short protein forms T419M.
Identifiers: ClinVar variation 2159947 (VCV002159947.4), dbSNP rs374286796, ClinGen allele CA7719509.
Genomic context (GRCh38, chr15:88,845,709, plus strand): 5'-TTACCGTAAAGCCCATCTTCGAGGTCTCCCCCAGTCCCCTGGAACCCGAGGAGCCCTTCA[C>T]GTTTGCCCCTGAAATAGGGGCCACTGCCTTCGCTGAGGTTGAGAATGAGACTGGAGAGGC-3'
Protein context (NP_001356197.1, residues 409-429): PSPLEPEEPF[Thr419Met]FAPEIGATAF